The following is an entry in ClinVar:

ClinVar aggregate classification (germline): Pathogenic/Likely pathogenic. Review status: criteria provided, multiple submitters, no conflicts (2 of 4 stars). 3 submissions from 3 submitters: Pathogenic (1); Likely pathogenic (1). 1 of the submissions does not count toward it. Last evaluated 2024-01-03.

Conditions:
Autosomal recessive nonsyndromic hearing loss 4 (DFNB4). Also called: Enlarged vestibular aqueduct, digenic; FOXI1-Related Pendred Syndrome; KCNJ10-Related Pendred Syndrome; DEAFNESS, AUTOSOMAL RECESSIVE 4, WITH ENLARGED VESTIBULAR AQUEDUCT, DIGENIC; Deafness, autosomal recessive 4; Nonsyndromic enlarged vestibular aqueduct (NSEVA). Identifiers: Orphanet 90636, MedGen C3538946, MONDO:0010933, OMIM 600791.
Pendred syndrome (PDS). Also called: DEAFNESS WITH GOITER; GOITER-DEAFNESS SYNDROME; Pendred Syndrome (PDS); HYPOTHYROIDISM, CONGENITAL, DUE TO DYSHORMONOGENESIS, 2B; THYROID DYSHORMONOGENESIS 2B; THYROID HORMONOGENESIS, GENETIC DEFECT IN, 2B. Identifiers: Orphanet 705, MedGen C0271829, MONDO:0010134, OMIM 274600.

Submissions (3):

Fulgent Genetics
Classification: Likely pathogenic for Pendred syndrome; Autosomal recessive nonsyndromic hearing loss 4. Last evaluated: 2024-01-03. Review status: criteria provided, single submitter. Criteria: ACMG Guidelines, 2015. Collection method: clinical testing. Allele origin: germline.

Labcorp Genetics (formerly Invitae), Labcorp
Classification: Pathogenic. Last evaluated: 2021-04-23. Review status: criteria provided, single submitter. Criteria: Invitae Variant Classification Sherloc (09022015). Collection method: clinical testing. Allele origin: germline.
Comment: This sequence change creates a premature translational stop signal (p.Leu727Tyrfs*8) in the SLC26A4 gene. It is expected to result in an absent or disrupted protein product. Loss-of-function variants in SLC26A4 are known to be pathogenic (PMID: 16283880, 25394566, 26252218, 26445815). This variant is not present in population databases (ExAC no frequency). This variant has not been reported in the literature in individuals with SLC26A4-related conditions. For these reasons, this variant has been classified as Pathogenic.

Counsyl
Classification: Likely pathogenic for Pendred syndrome. Last evaluated: 2017-07-05. Review status: no assertion criteria provided. Collection method: clinical testing. Allele origin: unknown. Not counted in ClinVar's aggregate classification.

Literature cited by the submitters: PubMed 16283880 (cited by Labcorp Genetics (formerly Invitae), Labcorp); PubMed 25394566 (cited by Labcorp Genetics (formerly Invitae), Labcorp); PubMed 26252218 (cited by Labcorp Genetics (formerly Invitae), Labcorp); PubMed 26445815 (cited by Labcorp Genetics (formerly Invitae), Labcorp).

NM_000441.2(SLC26A4):c.2177_2178dup (p.Leu727fs)

Genes: SLC26A4 (solute carrier family 26 member 4; plus strand), LOC123956210 (Sharpr-MPRA regulatory region 3291; plus strand). Cytogenetic location: 7q22.3.
Variant type: Microsatellite.
Coding change: c.2177_2178dup on transcript NM_000441.2 (MANE Select); coding-DNA positions 2177 to 2178, 2 bases duplicated (TA; older notation c.2177_2178dupTA).
Protein change: p.Leu727fs; shifts the reading frame from leucine 727.
Molecular consequence: frameshift variant.
Genome position (GRCh38, 1-based): chr7:107,710,141-107,710,142, TA duplicated; duplicating any 2 consecutive bases within chr7:107,710,139-107,710,142 gives the same sequence; the c. name uses the placement nearest the transcript's 3' end. VCF-style (leftmost placement, unchanged base first): chr7-107710138-C-CTA. GRCh37 (hg19) VCF-style: chr7-107350583-C-CTA.
Other names: short protein forms L727fs.
Identifiers: ClinVar variation 552774 (VCV000552774.8), dbSNP rs1298217152, ClinGen allele CA577030686.
Genomic context (GRCh38, chr7:107,710,138, plus strand): 5'-AATGCGGGTTCTTTGACGACAACATTAGAAAGGACACATTCTTTTTGACGGTCCATGATG[C>CTA]TATACTCTATCTACAGAACCAAGTGAAATCTCAAGAGGGTCAAGGTTCCATTTTAGAAAC-3'